The following is an entry in ClinVar:

ClinVar aggregate classification (germline): Uncertain significance (1 of 4 stars; one submission).

Allele frequency attached by ClinVar (database versions not stated): gnomAD exomes below 0.00001.

Submission:

GeneDx
Classification: Uncertain significance. Last evaluated: 2019-08-15. Review status: criteria provided, single submitter. Criteria: GeneDx Variant Classification Process June 2021. Collection method: clinical testing. Allele origin: germline. Affected: yes.
Comment: Not observed in large population cohorts (Lek et al., 2016); In silico analysis, which includes protein predictors and evolutionary conservation, supports a deleterious effect; Has not been previously published as pathogenic or benign to our knowledge

NM_001366110.1(PAX4):c.182A>G (p.Tyr61Cys)

Gene: PAX4 (paired box 4; minus strand). Cytogenetic location: 7q32.1.
Variant type: single nucleotide variant.
Coding change: c.182A>G on transcript NM_001366110.1 (MANE Select); coding-DNA position 182, A replaced by G.
Protein change: p.Tyr61Cys; replaces tyrosine 61 with cysteine.
Molecular consequence: missense variant.
Genome position (GRCh38, 1-based): chr7:127,615,058, T>C on the plus strand (A>G on the coding strand, the complement: PAX4 is on the minus strand). VCF-style: chr7-127615058-T-C. GRCh37 (hg19) VCF-style: chr7-127255112-T-C.
Other names: NM_006193.2:c.158A>G; c.182A>G, p.Tyr61Cys (NM_001366111.1); short protein forms Y61C.
Identifiers: ClinVar variation 1318903 (VCV001318903.2), dbSNP rs2116142535, ClinGen allele CA369176823.